The following is an entry in ClinVar:

ClinVar aggregate classification (germline): Uncertain significance. Review status: criteria provided, multiple submitters, no conflicts (2 of 4 stars). 4 submissions from 4 submitters: Uncertain significance (4). Last evaluated 2025-07-18.

Conditions:
Hereditary cancer-predisposing syndrome. Also called: Neoplastic Syndromes, Hereditary; Hereditary Cancer Syndrome; Hereditary neoplastic syndrome; Tumor predisposition. Identifiers: Orphanet 140162, MedGen C0027672, MeSH D009386, MONDO:0015356.
Hereditary breast ovarian cancer syndrome. Also called: Hereditary breast and ovarian cancer syndrome (HBOC); Hereditary breast and ovarian cancer syndrome; Breast and ovarian cancer; Hereditary breast and/or ovarian cancer syndrome; Hereditary breast and ovarian cancer; BRCA1- and BRCA2-Associated Hereditary Breast and Ovarian Cancer. Identifiers: Orphanet 145, MedGen C0677776, MeSH D061325, MONDO:0003582. Disease mechanism: loss of function.
Familial cancer of breast. Also called: BREAST CANCER, FAMILIAL; Hereditary breast cancer; hereditary breast carcinoma. Identifiers: Orphanet 227535, MedGen C0346153, MONDO:0016419, OMIM 114480. Disease mechanism: loss of function.

Submissions (4):

Color Diagnostics, LLC DBA Color Health
Classification: Uncertain significance for Hereditary cancer-predisposing syndrome. Last evaluated: 2025-07-18. Review status: criteria provided, single submitter. Criteria: ACMG Guidelines, 2015. Collection method: clinical testing. Allele origin: germline.
Comment: This variant causes an in-frame deletion of two amino acids, asparagine 1212 and glutamic acid 1213, in the BRCA2 protein. To our knowledge, functional studies have not been reported for this variant. This variant has not been reported in individuals affected with BRCA2-related disorders in the literature. This variant has been identified in 2/250824 chromosomes in the general population by the Genome Aggregation Database (gnomAD). The available evidence is insufficient to determine the role of this variant in disease conclusively. Therefore, this variant is classified as a Variant of Uncertain Significance.

Ambry Genetics
Classification: Uncertain significance for Hereditary cancer-predisposing syndrome. Last evaluated: 2024-10-15. Review status: criteria provided, single submitter. Criteria: Ambry Variant Classification Scheme 2023. Collection method: clinical testing. Allele origin: germline.
Comment: The c.3634_3639delAATGAA variant (also known as p.N1212_E1213del) is located in coding exon 10 of the BRCA2 gene. This variant results from an in-frame AATGAA deletion at nucleotide positions 3634 to 3639. This results in the in-frame deletion of 2 amino acids (NE) at codons 1212 and 1213. These amino acid positions are not well conserved in available vertebrate species. In addition, this alteration is predicted to be deleterious by in silico analysis (Choi Y et al. PLoS ONE. 2012; 7(10):e46688). Based on the available evidence, the clinical significance of this variant remains unclear.

Baylor Genetics
Classification: Uncertain significance for Familial cancer of breast. Last evaluated: 2023-08-30. Review status: criteria provided, single submitter. Criteria: ACMG Guidelines, 2015. Collection method: clinical testing. Allele origin: unknown.

Labcorp Genetics (formerly Invitae), Labcorp
Classification: Uncertain significance for Hereditary breast ovarian cancer syndrome. Last evaluated: 2022-08-27. Review status: criteria provided, single submitter. Criteria: Invitae Variant Classification Sherloc (09022015). Collection method: clinical testing. Allele origin: germline.
Comment: In summary, the available evidence is currently insufficient to determine the role of this variant in disease. Therefore, it has been classified as a Variant of Uncertain Significance. Experimental studies and prediction algorithms are not available or were not evaluated, and the functional significance of this variant is currently unknown. ClinVar contains an entry for this variant (Variation ID: 462301). This variant has not been reported in the literature in individuals affected with BRCA2-related conditions. This variant is present in population databases (rs774186567, gnomAD 0.007%). This variant, c.3634_3639del, results in the deletion of 2 amino acid(s) of the BRCA2 protein (p.Asn1212_Glu1213del), but otherwise preserves the integrity of the reading frame.

NM_000059.4(BRCA2):c.3634_3639del (p.Asn1212_Glu1213del)

Gene: BRCA2 (BRCA2 DNA repair associated; plus strand). Cytogenetic location: 13q13.1.
Variant type: Deletion.
Coding change: c.3634_3639del on transcript NM_000059.4 (MANE Select); coding-DNA positions 3634 to 3639, 6 bases deleted (AATGAA; older notation c.3634_3639delAATGAA).
Protein change: p.Asn1212_Glu1213del.
Molecular consequence: inframe deletion.
Genome position (GRCh38, 1-based): chr13:32,337,989-32,337,994, AATGAA deleted; deleting any 6 consecutive bases within chr13:32,337,984-32,337,994 gives the same sequence; the c. name uses the placement nearest the transcript's 3' end. VCF-style (leftmost placement, unchanged base first): chr13-32337983-GATGAAA-G. GRCh37 (hg19) VCF-style: chr13-32912120-GATGAAA-G.
Other names: c.3634_3639delAATGAA (NM_000059.3).
Identifiers: ClinVar variation 462301 (VCV000462301.14), dbSNP rs774186567, ClinGen allele CA6940709.